The following is an entry in ClinVar:

ClinVar aggregate classification (germline): Conflicting classifications of pathogenicity. Review status: criteria provided, conflicting classifications (1 of 4 stars). 4 submissions from 4 submitters: Uncertain significance (1); Benign (1); Likely benign (2). Last evaluated 2026-01-24.

Conditions:
Birt-Hogg-Dube syndrome 1 (BHD1). Also called: FIBROFOLLICULOMAS WITH TRICHODISCOMAS AND ACROCHORDONS. Identifiers: Orphanet 122, MedGen CN375946, MONDO:0800445, OMIM 135150.
Hereditary cancer-predisposing syndrome. Also called: Tumor predisposition; Hereditary neoplastic syndrome; Neoplastic Syndromes, Hereditary; Hereditary Cancer Syndrome. Identifiers: Orphanet 140162, MedGen C0027672, MeSH D009386, MONDO:0015356.
Birt-Hogg-Dube syndrome. Also called: Birt Hogg Dubé syndrome. Identifiers: Orphanet 122, MedGen C0346010, MONDO:0800444.

Submissions (4):

Labcorp Genetics (formerly Invitae), Labcorp
Classification: Likely benign for Birt-Hogg-Dube syndrome. Last evaluated: 2026-01-24. Review status: criteria provided, single submitter. Criteria: Invitae Variant Classification Sherloc (09022015). Collection method: clinical testing. Allele origin: germline.

Myriad Genetics, Inc.
Classification: Benign for Birt-Hogg-Dube syndrome 1. Last evaluated: 2024-10-23. Review status: criteria provided, single submitter. Criteria: Myriad Autosomal Dominant, Autosomal Recessive and X-Linked Classification Criteria (2023). Collection method: clinical testing. Allele origin: unknown.
Comment: This variant is considered benign. This variant is a silent/synonymous amino acid change and it is not expected to impact splicing.

Quest Diagnostics Nichols Institute San Juan Capistrano
Classification: Uncertain significance. Last evaluated: 2024-01-25. Review status: criteria provided, single submitter. Criteria: Quest Diagnostics criteria. Collection method: clinical testing. Allele origin: unknown.

Ambry Genetics
Classification: Likely benign for Hereditary cancer-predisposing syndrome. Last evaluated: 2023-04-18. Review status: criteria provided, single submitter. Criteria: Ambry Variant Classification Scheme 2023. Collection method: clinical testing. Allele origin: germline.

NM_144997.7(FLCN):c.516C>T (p.Ile172=)

Gene: FLCN (folliculin; minus strand). Cytogenetic location: 17p11.2.
Variant type: single nucleotide variant.
Coding change: c.516C>T on transcript NM_144997.7 (MANE Select); coding-DNA position 516, C replaced by T.
Protein change: p.Ile172=; no amino-acid change (isoleucine 172 retained).
Molecular consequence: synonymous variant.
Genome position (GRCh38, 1-based): chr17:17,224,024, G>A on the plus strand (C>T on the coding strand, the complement: FLCN is on the minus strand). VCF-style: chr17-17224024-G-A. GRCh37 (hg19) VCF-style: chr17-17127338-G-A.
Other names: c.516C>T (NM_144997.6, NM_144997.5); c.570C>T, p.Ile190= (NM_001353229.2); c.516C>T, p.Ile172= (NM_001353230.2, NM_001353231.2, NM_144606.7).
Identifiers: ClinVar variation 1640148 (VCV001640148.12), dbSNP rs2047176639, ClinGen allele CA498166188.